The following is an entry in ClinVar:

ClinVar aggregate classification (germline): Uncertain significance (1 of 4 stars; one submission).

gnomAD v4.1: 2 of 1,550,870 alleles (0.00013%); highest among the groups gnomAD compares: Non-Finnish European, 0.00017%; no homozygotes.

Submission:

Labcorp Genetics (formerly Invitae), Labcorp
Classification: Uncertain significance. Last evaluated: 2024-02-25. Review status: criteria provided, single submitter. Criteria: Invitae Variant Classification Sherloc (09022015). Collection method: clinical testing. Allele origin: germline.
Comment: This sequence change replaces histidine, which is basic and polar, with tyrosine, which is neutral and polar, at codon 123 of the TONSL protein (p.His123Tyr). This variant is not present in population databases (gnomAD no frequency). This variant has not been reported in the literature in individuals affected with TONSL-related conditions. Advanced modeling of protein sequence and biophysical properties (such as structural, functional, and spatial information, amino acid conservation, physicochemical variation, residue mobility, and thermodynamic stability) performed at Invitae indicates that this missense variant is expected to disrupt TONSL protein function with a positive predictive value of 80%. In summary, the available evidence is currently insufficient to determine the role of this variant in disease. Therefore, it has been classified as a Variant of Uncertain Significance.

NM_013432.5(TONSL):c.367C>T (p.His123Tyr)

Gene: TONSL (tonsoku like, DNA repair protein; minus strand). Cytogenetic location: 8q24.3.
Variant type: single nucleotide variant.
Coding change: c.367C>T on transcript NM_013432.5 (MANE Select); coding-DNA position 367, C replaced by T.
Protein change: p.His123Tyr; replaces histidine 123 with tyrosine.
Molecular consequence: missense variant.
Genome position (GRCh38, 1-based): chr8:144,443,219, G>A on the plus strand (C>T on the coding strand, the complement: TONSL is on the minus strand). VCF-style: chr8-144443219-G-A. GRCh37 (hg19) VCF-style: chr8-145668602-G-A.
Other names: short protein forms H123Y.
Identifiers: ClinVar variation 3643286 (VCV003643286.2).